The following is an entry in ClinVar:

ClinVar aggregate classification (germline): Uncertain significance (1 of 4 stars; one submission).

Submission:

GeneDx
Classification: Uncertain significance. Last evaluated: 2026-02-10. Review status: criteria provided, single submitter. Criteria: GeneDx Variant Classification Process June 2021. Collection method: clinical testing. Allele origin: germline.
Comment: Not observed at significant frequency in large population cohorts (gnomAD); Missense variants in this gene are a common cause of disease and they are underrepresented in the general population; In silico analysis supports that this missense variant has a deleterious effect on protein structure/function; Has not been previously published as pathogenic or benign to our knowledge

NM_006306.4(SMC1A):c.64G>C (p.Gly22Arg)

Gene: SMC1A (structural maintenance of chromosomes 1A; minus strand). Cytogenetic location: Xp11.22.
Variant type: single nucleotide variant.
Coding change: c.64G>C on transcript NM_006306.4 (MANE Select); coding-DNA position 64, G replaced by C.
Protein change: p.Gly22Arg; replaces glycine 22 with arginine.
Molecular consequence: missense variant. On other transcripts: 5 prime UTR variant (1).
Genome position (GRCh38, 1-based): chrX:53,422,537, C>G on the plus strand (G>C on the coding strand, the complement: SMC1A is on the minus strand). VCF-style: chrX-53422537-C-G. GRCh37 (hg19) VCF-style: chrX-53449486-C-G.
Other names: c.-149G>C (NM_001281463.1); short protein forms G22R.
Identifiers: ClinVar variation 4976346 (VCV004976346.1).